The following is an entry in ClinVar:

ClinVar aggregate classification (germline): Uncertain significance (1 of 4 stars; one submission).

Conditions:
Inborn genetic diseases. Identifiers: MedGen C0950123, MeSH D030342.

Submission:

Ambry Genetics
Classification: Uncertain significance for Inborn genetic diseases. Last evaluated: 2026-05-18. Review status: criteria provided, single submitter. Criteria: Ambry Variant Classification Scheme 2023. Collection method: clinical testing. Allele origin: germline.
Comment: The p.H897L variant (also known as c.2690A>T), located in coding exon 28 of the FANCA gene, results from an A to T substitution at nucleotide position 2690. The histidine at codon 897 is replaced by leucine, an amino acid with similar properties. This amino acid position is conserved. In addition, this alteration is predicted to be tolerated by in silico analysis. Based on the available evidence, the clinical significance of this variant remains unclear.

NM_000135.4(FANCA):c.2690A>T (p.His897Leu)

Genes: FANCA (FA complementation group A; minus strand), LOC130059837 (ATAC-STARR-seq lymphoblastoid active region 11420; plus strand). Cytogenetic location: 16q24.3.
Variant type: single nucleotide variant.
Coding change: c.2690A>T on transcript NM_000135.4 (MANE Select); coding-DNA position 2690, A replaced by T.
Protein change: p.His897Leu; replaces histidine 897 with leucine.
Molecular consequence: missense variant.
Genome position (GRCh38, 1-based): chr16:89,764,978, T>A on the plus strand (A>T on the coding strand, the complement: FANCA is on the minus strand). VCF-style: chr16-89764978-T-A. GRCh37 (hg19) VCF-style: chr16-89831386-T-A.
Other names: c.2690A>T, p.His897Leu (NM_001286167.3); short protein forms H897L.
Identifiers: ClinVar variation 4870877 (VCV004870877.1).